The following is an entry in ClinVar:

ClinVar aggregate classification (germline): Uncertain significance (1 of 4 stars; one submission).

Allele frequency attached by ClinVar (database versions not stated): gnomAD exomes 0.00005 and 0.00011; ExAC 0.00018; 1000 Genomes Project 30x 0.00031; ESP Exome Variant Server 0.00038; 1000 Genomes Project 0.00040; TOPMed 0.00045; gnomAD 0.00048 and 0.00053.

Submission:

Labcorp Genetics (formerly Invitae), Labcorp
Classification: Uncertain significance. Last evaluated: 2022-11-01. Review status: criteria provided, single submitter. Criteria: Invitae Variant Classification Sherloc (09022015). Collection method: clinical testing. Allele origin: germline.
Comment: This sequence change replaces methionine, which is neutral and non-polar, with leucine, which is neutral and non-polar, at codon 1642 of the LCT protein (p.Met1642Leu). This variant is present in population databases (rs149746134, gnomAD 0.2%). This variant has not been reported in the literature in individuals affected with LCT-related conditions. ClinVar contains an entry for this variant (Variation ID: 1411742). Advanced modeling of protein sequence and biophysical properties (such as structural, functional, and spatial information, amino acid conservation, physicochemical variation, residue mobility, and thermodynamic stability) has been performed at Invitae for this missense variant, however the output from this modeling did not meet the statistical confidence thresholds required to predict the impact of this variant on LCT protein function. In summary, the available evidence is currently insufficient to determine the role of this variant in disease. Therefore, it has been classified as a Variant of Uncertain Significance.

NM_002299.4(LCT):c.4924A>T (p.Met1642Leu)

Gene: LCT (lactase; minus strand). Cytogenetic location: 2q21.3.
Variant type: single nucleotide variant.
Coding change: c.4924A>T on transcript NM_002299.4 (MANE Select); coding-DNA position 4924, A replaced by T.
Protein change: p.Met1642Leu; replaces methionine 1642 with leucine.
Molecular consequence: missense variant.
Genome position (GRCh38, 1-based): chr2:135,798,081, T>A on the plus strand (A>T on the coding strand, the complement: LCT is on the minus strand). VCF-style: chr2-135798081-T-A. GRCh37 (hg19) VCF-style: chr2-136555651-T-A.
Other names: short protein forms M1642L.
Identifiers: ClinVar variation 1411742 (VCV001411742.3), dbSNP rs149746134, ClinGen allele CA1887739.